The following is an entry in ClinVar:

NM_032242.4(PLXNA1):c.4379C>T (p.Pro1460Leu)

Gene: PLXNA1 (plexin A1; plus strand). Cytogenetic location: 3q21.3.
Variant type: single nucleotide variant.
Coding change: c.4379C>T on transcript NM_032242.4 (MANE Select); coding-DNA position 4379, C replaced by T.
Protein change: p.Pro1460Leu; replaces proline 1460 with leucine.
Molecular consequence: missense variant.
Genome position (GRCh38, 1-based): chr3:127,027,956, C>T. VCF-style: chr3-127027956-C-T. GRCh37 (hg19) VCF-style: chr3-126746799-C-T.
Other names: short protein forms P1460L.
Identifiers: ClinVar variation 3421109 (VCV003421109.5).

ClinVar aggregate classification (germline): Uncertain significance. Review status: criteria provided, multiple submitters, no conflicts (2 of 4 stars). 2 submissions from 2 submitters: Uncertain significance (2). Last evaluated 2026-02-01.

gnomAD v4.1: 1 of 1,613,602 alleles (0.000062%); highest among the groups gnomAD compares: Non-Finnish European, 0.000085%; no homozygotes.

Submissions (2):

CeGaT Center for Human Genetics Tuebingen
Classification: Uncertain significance. Last evaluated: 2026-02-01. Review status: criteria provided, single submitter. Criteria: CeGaT Center For Human Genetics Tuebingen Variant Classification Criteria Version 2. Collection method: clinical testing. Allele origin: germline. Affected: yes. Observed: 1 variant allele.
Comment: PLXNA1: PM2

Ambry Genetics
Classification: Uncertain significance. Last evaluated: 2024-08-26. Review status: criteria provided, single submitter. Criteria: Ambry Variant Classification Scheme 2023. Collection method: clinical testing. Allele origin: germline.